The following is an entry in ClinVar:

ClinVar aggregate classification (germline): Conflicting classifications of pathogenicity. Review status: criteria provided, conflicting classifications (1 of 4 stars). 12 submissions from 12 submitters: Uncertain significance (1); Benign (2); Likely benign (7). 2 of the submissions do not count toward it. Last evaluated 2026-05-01.

Conditions:
Inborn genetic diseases. Identifiers: MedGen C0950123, MeSH D030342.
Neuropathy, hereditary sensory, type 2C. Also called: Hereditary sensory and autonomic neuropathy type IIC; KIF1A-Related HSAN2 (HSAN2C). Identifiers: Orphanet 970, MedGen C3280168, MONDO:0013634, OMIM 614213.
Intellectual disability, autosomal dominant 9 (NESCAVS). Also called: KIF1A-Related Neurodevelopmental Disorder; NESCAV SYNDROME. Identifiers: Orphanet 662367, MedGen C5393830, MONDO:0013656, OMIM 614255.
Hereditary spastic paraplegia 30. Identifiers: Orphanet 101010, MedGen C5235139, MONDO:0012476.

Allele frequency attached by ClinVar (database versions not stated): ESP Exome Variant Server 0.00049; gnomAD exomes 0.00052 and 0.00088; gnomAD 0.00058 and 0.00061; TOPMed 0.00062; ExAC 0.00071.
gnomAD v4.1: 1,358 of 1,611,828 alleles (0.084%); highest among the groups gnomAD compares: Non-Finnish European, 0.1%; no homozygotes.

Submissions (12):

CeGaT Center for Human Genetics Tuebingen
Classification: Likely benign. Last evaluated: 2026-05-01. Review status: criteria provided, single submitter. Criteria: CeGaT Center For Human Genetics Tuebingen Variant Classification Criteria Version 2. Collection method: clinical testing. Allele origin: germline. Affected: yes. Observed: 7 variant alleles.
Comment: KIF1A: BP4, BP7

Labcorp Genetics (formerly Invitae), Labcorp
Classification: Likely benign for Hereditary spastic paraplegia 30; Neuropathy, hereditary sensory, type 2C; Intellectual disability, autosomal dominant 9. Last evaluated: 2026-02-02. Review status: criteria provided, single submitter. Criteria: Invitae Variant Classification Sherloc (09022015). Collection method: clinical testing. Allele origin: germline.

Blueprint Genetics
Classification: Likely benign. Last evaluated: 2024-10-18. Review status: criteria provided, single submitter. Criteria: ACMG Guidelines, 2015. Collection method: clinical testing. Allele origin: germline.

GeneDx
Classification: Likely benign. Last evaluated: 2021-02-22. Review status: criteria provided, single submitter. Criteria: GeneDx Variant Classification Process June 2021. Collection method: clinical testing. Allele origin: germline. Affected: yes.

ARUP Laboratories, Molecular Genetics and Genomics, ARUP Laboratories
Classification: Likely benign. Last evaluated: 2020-08-10. Review status: criteria provided, single submitter. Criteria: ARUP Molecular Germline Variant Investigation Process. Collection method: clinical testing. Allele origin: germline.

Athena Diagnostics
Classification: Benign. Last evaluated: 2020-04-21. Review status: criteria provided, single submitter. Criteria: Athena Diagnostics Criteria. Collection method: clinical testing. Allele origin: unknown.

Illumina Laboratory Services, Illumina
Classification: Uncertain significance for Spastic paraplegia 30A, autosomal dominant. Last evaluated: 2018-03-23. Review status: criteria provided, single submitter. Criteria: ICSL Variant Classification Criteria 13 December 2019. Collection method: clinical testing. Allele origin: germline.

Eurofins Ntd Llc (ga)
Classification: Likely benign. Last evaluated: 2017-03-09. Review status: criteria provided, single submitter. Criteria: EGL Classification Definitions 2015. Collection method: clinical testing. Allele origin: germline. Observed: 1 variant allele, 1 heterozygote.

Ambry Genetics
Classification: Likely benign for Inborn genetic diseases. Last evaluated: 2017-02-24. Review status: criteria provided, single submitter. Criteria: Ambry Variant Classification Scheme 2023. Collection method: clinical testing. Allele origin: germline.

Genetic Services Laboratory, University of Chicago
Classification: Benign for AllHighlyPenetrant. Last evaluated: 2014-03-17. Review status: criteria provided, single submitter. Criteria: ACMG Guidelines, 2007. Collection method: clinical testing. Allele origin: germline.

Clinical Genetics DNA and cytogenetics Diagnostics Lab, Erasmus MC, Erasmus Medical Center
Classification: Likely benign. Review status: no assertion criteria provided. Collection method: clinical testing. Allele origin: germline. Affected: yes. Study: VKGL Data-share Consensus. Not counted in ClinVar's aggregate classification.

Clinical Genetics, Academic Medical Center
Classification: Benign. Review status: no assertion criteria provided. Collection method: clinical testing. Allele origin: germline. Affected: yes. Study: VKGL Data-share Consensus. Not counted in ClinVar's aggregate classification.

NM_001244008.2(KIF1A):c.4749C>T (p.Ser1583=)

Gene: KIF1A (kinesin family member 1A; minus strand). Cytogenetic location: 2q37.3.
Variant type: single nucleotide variant.
Coding change: c.4749C>T on transcript NM_001244008.2 (MANE Select); coding-DNA position 4749, C replaced by T.
Protein change: p.Ser1583=; no amino-acid change (serine 1583 retained).
Molecular consequence: synonymous variant.
Genome position (GRCh38, 1-based): chr2:240,721,033, G>A on the plus strand (C>T on the coding strand, the complement: KIF1A is on the minus strand). VCF-style: chr2-240721033-G-A. GRCh37 (hg19) VCF-style: chr2-241660450-G-A.
Other names: c.4473C>T, p.Ser1491= (NM_001320705.2, NM_001379649.1); c.4500C>T, p.Ser1500= (NM_001330289.2); c.4548C>T, p.Ser1516= (NM_001330290.2, NM_001379648.1); c.4824C>T, p.Ser1608= (NM_001379631.1); c.4725C>T, p.Ser1575= (NM_001379632.1); c.4722C>T, p.Ser1574= (NM_001379633.1, NM_001379645.1); c.4575C>T, p.Ser1525= (NM_001379634.1); c.4572C>T, p.Ser1524= (NM_001379635.1, NM_001379646.1); and 7 more.
Identifiers: ClinVar variation 129398 (VCV000129398.103), dbSNP rs371737085, ClinGen allele CA153383.
Genomic context (GRCh38, chr2:240,721,033, plus strand): 5'-GAGAGTGGCCACCCCTAGAGGGGACATCGACGGGTCCCGGAGCAGGGTGACAGACATCTC[G>A]GAGAGCTGCGGAGGAGAGGCCTTTTTCAGGGGACACAGGGAAGGGGGGTCTCCGGCCTCT-3'
Protein context (NP_001230937.1, residues 1573-1593): VCVSASESKL[Ser1583=]EMSVTLLRDP